The following is an entry in ClinVar:

NM_012431.3(SEMA3E):c.1862C>A (p.Thr621Lys)

Gene: SEMA3E (semaphorin 3E; minus strand). Cytogenetic location: 7q21.11.
Variant type: single nucleotide variant.
Coding change: c.1862C>A on transcript NM_012431.3 (MANE Select); coding-DNA position 1862, C replaced by A.
Protein change: p.Thr621Lys; replaces threonine 621 with lysine.
Molecular consequence: missense variant.
Genome position (GRCh38, 1-based): chr7:83,385,307, G>T on the plus strand (C>A on the coding strand, the complement: SEMA3E is on the minus strand). VCF-style: chr7-83385307-G-T. GRCh37 (hg19) VCF-style: chr7-83014623-G-T.
Other names: c.1682C>A, p.Thr561Lys (NM_001178129.2); c.1862C>A (NM_012431.2); short protein forms T561K, T621K.
Identifiers: ClinVar variation 1970693 (VCV001970693.6), dbSNP rs1787855370, ClinGen allele CA367921677.

ClinVar aggregate classification (germline): Uncertain significance. Review status: criteria provided, multiple submitters, no conflicts (2 of 4 stars). 2 submissions from 2 submitters: Uncertain significance (2). Last evaluated 2026-07-21.

Conditions:
CHARGE syndrome (CHARGE). Also called: Hittner Hirsch Kreh syndrome; CHARGE ASSOCIATION--COLOBOMA, HEART ANOMALY, CHOANAL ATRESIA, RETARDATION, GENITAL AND EAR ANOMALIES; Coloboma, heart anomaly, choanal atresia, retardation, genital and ear anomalies; CHARGE association; Hall-Hittner syndrome. Identifiers: Orphanet 138, MedGen C0265354, MONDO:0008965.
SEMA3E-related disorder. Also called: SEMA3E-related condition.

Allele frequency attached by ClinVar (database versions not stated): gnomAD 0.00001.
gnomAD v4.1: 1 of 1,612,940 alleles (0.000062%); highest among the groups gnomAD compares: Admixed American, 0.0017%; no homozygotes.

Submissions (2):

PreventionGenetics, part of Exact Sciences
Classification: Uncertain significance for SEMA3E-related condition. Last evaluated: 2026-07-21. Review status: criteria provided, single submitter. Criteria: ACMG Guidelines, 2015. Collection method: clinical testing. Allele origin: germline.
Comment: The SEMA3E c.1862C>A variant is predicted to result in the amino acid substitution p.Thr621Lys. To our knowledge, this variant has not been reported in the literature or in a large population database (gnomAD), indicating this variant is rare. At this time, the clinical significance of this variant is uncertain due to the absence of conclusive functional and genetic evidence.

Labcorp Genetics (formerly Invitae), Labcorp
Classification: Uncertain significance for CHARGE syndrome. Last evaluated: 2023-02-14. Review status: criteria provided, single submitter. Criteria: Invitae Variant Classification Sherloc (09022015). Collection method: clinical testing. Allele origin: germline.
Comment: This sequence change replaces threonine, which is neutral and polar, with lysine, which is basic and polar, at codon 621 of the SEMA3E protein (p.Thr621Lys). In summary, the available evidence is currently insufficient to determine the role of this variant in disease. Therefore, it has been classified as a Variant of Uncertain Significance. Algorithms developed to predict the effect of missense changes on protein structure and function are either unavailable or do not agree on the potential impact of this missense change (SIFT: "Deleterious"; PolyPhen-2: "Benign"; Align-GVGD: "Class C0"). This variant has not been reported in the literature in individuals affected with SEMA3E-related conditions. This variant is not present in population databases (gnomAD no frequency).